The following is an entry in ClinVar:

NM_001376.5(DYNC1H1):c.3970G>A (p.Glu1324Lys)

Gene: DYNC1H1 (dynein cytoplasmic 1 heavy chain 1; plus strand). Cytogenetic location: 14q32.31.
Variant type: single nucleotide variant.
Coding change: c.3970G>A on transcript NM_001376.5 (MANE Select); coding-DNA position 3970, G replaced by A.
Protein change: p.Glu1324Lys; replaces glutamic acid 1324 with lysine.
Molecular consequence: missense variant.
Genome position (GRCh38, 1-based): chr14:102,000,295, G>A. VCF-style: chr14-102000295-G-A. GRCh37 (hg19) VCF-style: chr14-102466632-G-A.
Other names: short protein forms E1324K.
Identifiers: ClinVar variation 1304246 (VCV001304246.6), dbSNP rs2141285228, ClinGen allele CA391038982.

ClinVar aggregate classification (germline): Uncertain significance. Review status: criteria provided, multiple submitters, no conflicts (2 of 4 stars). 2 submissions from 2 submitters: Uncertain significance (2). Last evaluated 2023-03-10.

Conditions:
Charcot-Marie-Tooth disease axonal type 2O. Also called: CHARCOT-MARIE-TOOTH NEUROPATHY, AXONAL, TYPE 2O; CHARCOT-MARIE-TOOTH DISEASE, AXONAL, AUTOSOMAL DOMINANT, TYPE 2O; Charcot-Marie-Tooth Neuropathy Type 2O; Charcot-Marie-Tooth disease, axonal, type 20. Identifiers: Orphanet 284232, MedGen C3280220, MONDO:0013644, OMIM 614228.

Allele frequency attached by ClinVar (database versions not stated): gnomAD exomes below 0.00001.
gnomAD v4.1: 1 of 1,614,194 alleles (0.000062%); highest among the groups gnomAD compares: Non-Finnish European, 0.000085%; no homozygotes.

Submissions (2):

Labcorp Genetics (formerly Invitae), Labcorp
Classification: Uncertain significance for Charcot-Marie-Tooth disease axonal type 2O. Last evaluated: 2023-03-10. Review status: criteria provided, single submitter. Criteria: Invitae Variant Classification Sherloc (09022015). Collection method: clinical testing. Allele origin: germline.
Comment: This variant has not been reported in the literature in individuals affected with DYNC1H1-related conditions. ClinVar contains an entry for this variant (Variation ID: 1304246). Advanced modeling of protein sequence and biophysical properties (such as structural, functional, and spatial information, amino acid conservation, physicochemical variation, residue mobility, and thermodynamic stability) performed at Invitae indicates that this missense variant is expected to disrupt DYNC1H1 protein function. In summary, the available evidence is currently insufficient to determine the role of this variant in disease. Therefore, it has been classified as a Variant of Uncertain Significance. This variant is not present in population databases (gnomAD no frequency). This sequence change replaces glutamic acid, which is acidic and polar, with lysine, which is basic and polar, at codon 1324 of the DYNC1H1 protein (p.Glu1324Lys).

GeneDx
Classification: Uncertain significance. Last evaluated: 2020-10-21. Review status: criteria provided, single submitter. Criteria: GeneDx Variant Classification Process June 2021. Collection method: clinical testing. Allele origin: germline. Affected: yes.
Comment: Not observed in large population cohorts (Lek et al., 2016); In silico analysis supports that this missense variant has a deleterious effect on protein structure/function; Has not been previously published as pathogenic or benign to our knowledge